The following is an entry in ClinVar:

NM_033056.4(PCDH15):c.4977C>T (p.Asp1659=)

Gene: PCDH15 (protocadherin related 15; minus strand). Cytogenetic location: 10q21.1.
Variant type: single nucleotide variant.
Coding change: c.4977C>T on transcript NM_033056.4 (MANE Plus Clinical); coding-DNA position 4977, C replaced by T.
Protein change: p.Asp1659=; no amino-acid change (aspartic acid 1659 retained).
Molecular consequence: synonymous variant. On other transcripts: intron variant (8).
Genome position (GRCh38, 1-based): chr10:53,822,749, G>A on the plus strand (C>T on the coding strand, the complement: PCDH15 is on the minus strand). VCF-style: chr10-53822749-G-A. GRCh37 (hg19) VCF-style: chr10-55582509-G-A.
Other names: c.4998C>T, p.Asp1666= (NM_001142763.2); c.4983C>T, p.Asp1661= (NM_001142764.2); c.4770C>T, p.Asp1590= (NM_001142765.2); c.4968C>T, p.Asp1656= (NM_001142766.2); c.4857C>T, p.Asp1619= (NM_001142767.2); c.4917C>T, p.Asp1639= (NM_001142768.2); c.4908C>T, p.Asp1636= (NM_001142773.2); c.4911C>T, p.Asp1637= (NM_001354404.2); and 6 more.
Identifiers: ClinVar variation 1564019 (VCV001564019.33), dbSNP rs1554820407, ClinGen allele CA5505142.

ClinVar aggregate classification (germline): Likely benign. Review status: criteria provided, multiple submitters, no conflicts (2 of 4 stars). 2 submissions from 2 submitters: Likely benign (2). Last evaluated 2026-01-05.

Allele frequency attached by ClinVar (database versions not stated): ExAC 0.00002; gnomAD exomes 0.00001.
gnomAD v4.1: 9 of 1,613,956 alleles (0.00056%); highest among the groups gnomAD compares: South Asian, 0.0099%; no homozygotes.

Submissions (2):

Labcorp Genetics (formerly Invitae), Labcorp
Classification: Likely benign. Last evaluated: 2026-01-05. Review status: criteria provided, single submitter. Criteria: Invitae Variant Classification Sherloc (09022015). Collection method: clinical testing. Allele origin: germline.

CeGaT Center for Human Genetics Tuebingen
Classification: Likely benign. Last evaluated: 2022-09-01. Review status: criteria provided, single submitter. Criteria: CeGaT Center For Human Genetics Tuebingen Variant Classification Criteria Version 2. Collection method: clinical testing. Allele origin: germline. Affected: yes. Observed: 1 variant allele.
Comment: PCDH15: BP4, BP7